The following is an entry in ClinVar:

ClinVar aggregate classification (germline): Uncertain significance. Review status: criteria provided, multiple submitters, no conflicts (2 of 4 stars). 2 submissions from 2 submitters: Uncertain significance (2). Last evaluated 2025-08-01.

Allele frequency attached by ClinVar (database versions not stated): TOPMed below 0.00001; gnomAD exomes 0.00001; ExAC 0.00002; gnomAD 0.00003; 1000 Genomes Project 0.00060; 1000 Genomes Project 30x 0.00062.
gnomAD v4.1: 21 of 1,601,362 alleles (0.0013%); highest among the groups gnomAD compares: Admixed American, 0.032%; no homozygotes.

Submissions (2):

Ambry Genetics
Classification: Uncertain significance. Last evaluated: 2025-08-01. Review status: criteria provided, single submitter. Criteria: Ambry Variant Classification Scheme 2023. Collection method: clinical testing. Allele origin: germline.

Labcorp Genetics (formerly Invitae), Labcorp
Classification: Uncertain significance. Last evaluated: 2025-05-05. Review status: criteria provided, single submitter. Criteria: Invitae Variant Classification Sherloc (09022015). Collection method: clinical testing. Allele origin: germline.
Comment: This sequence change replaces glutamic acid, which is acidic and polar, with glutamine, which is neutral and polar, at codon 233 of the CCT2 protein (p.Glu233Gln). This variant is present in population databases (rs529881491, gnomAD 0.009%). This variant has not been reported in the literature in individuals affected with CCT2-related conditions. ClinVar contains an entry for this variant (Variation ID: 2419320). An algorithm developed to predict the effect of missense changes on protein structure and function (PolyPhen-2) suggests that this variant is likely to be tolerated. In summary, the available evidence is currently insufficient to determine the role of this variant in disease. Therefore, it has been classified as a Variant of Uncertain Significance.

NM_006431.3(CCT2):c.697G>C (p.Glu233Gln)

Gene: CCT2 (chaperonin containing TCP1 subunit 2; plus strand). Cytogenetic location: 12q15.
Variant type: single nucleotide variant.
Coding change: c.697G>C on transcript NM_006431.3 (MANE Select); coding-DNA position 697, G replaced by C.
Protein change: p.Glu233Gln; replaces glutamic acid 233 with glutamine.
Molecular consequence: missense variant.
Genome position (GRCh38, 1-based): chr12:69,592,106, G>C. VCF-style: chr12-69592106-G-C. GRCh37 (hg19) VCF-style: chr12-69985886-G-C.
Other names: c.556G>C, p.Glu186Gln (NM_001198842.2); c.697G>C (NM_006431.2); short protein forms E186Q, E233Q.
Identifiers: ClinVar variation 2419320 (VCV002419320.7), dbSNP rs529881491, ClinGen allele CA6680649.